The following is an entry in ClinVar:

NM_005419.4(STAT2):c.633+6A>C

Gene: STAT2 (signal transducer and activator of transcription 2; minus strand). Cytogenetic location: 12q13.3.
Variant type: single nucleotide variant.
Coding change: c.633+6A>C on transcript NM_005419.4 (MANE Select); 6 bases into the intron after coding-DNA position 633, A replaced by C.
Molecular consequence: intron variant.
Genome position (GRCh38, 1-based): chr12:56,354,772, T>G on the plus strand (A>C on the coding strand, the complement: STAT2 is on the minus strand). VCF-style: chr12-56354772-T-G. GRCh37 (hg19) VCF-style: chr12-56748556-T-G.
Other names: c.621+6A>C (NM_001385110.1, NM_001385115.1, NM_198332.2); c.633+6A>C (NM_001385114.1, NM_001385111.1, NM_001385113.1).
Identifiers: ClinVar variation 998419 (VCV000998419.5), dbSNP rs1397725346, ClinGen allele CA605701186.

ClinVar aggregate classification (germline): Uncertain significance (1 of 4 stars; one submission).

Conditions:
Primary immunodeficiency with post-measles-mumps-rubella vaccine viral infection. Also called: Immunodeficiency 44. Identifiers: Orphanet 431166, MedGen C4225260, MONDO:0014715, OMIM 616636.

Allele frequency attached by ClinVar (database versions not stated): gnomAD exomes 0.00001; TOPMed 0.00001; gnomAD 0.00002.
gnomAD v4.1: 7 of 1,614,076 alleles (0.00043%); highest among the groups gnomAD compares: Non-Finnish European, 0.00051%; no homozygotes.

Submission:

Labcorp Genetics (formerly Invitae), Labcorp
Classification: Uncertain significance for Primary immunodeficiency with post-measles-mumps-rubella vaccine viral infection. Last evaluated: 2024-11-11. Review status: criteria provided, single submitter. Criteria: Invitae Variant Classification Sherloc (09022015). Collection method: clinical testing. Allele origin: germline.
Comment: This sequence change falls in intron 7 of the STAT2 gene. It does not directly change the encoded amino acid sequence of the STAT2 protein. It affects a nucleotide within the consensus splice site. The frequency data for this variant in the population databases is considered unreliable, as metrics indicate poor data quality at this position in the gnomAD database. This variant has not been reported in the literature in individuals affected with STAT2-related conditions. ClinVar contains an entry for this variant (Variation ID: 998419). Variants that disrupt the consensus splice site are a relatively common cause of aberrant splicing (PMID: 17576681, 9536098). Algorithms developed to predict the effect of sequence changes on RNA splicing suggest that this variant is not likely to affect RNA splicing. In summary, the available evidence is currently insufficient to determine the role of this variant in disease. Therefore, it has been classified as a Variant of Uncertain Significance.

Literature cited by the submitters: PubMed 17576681; PubMed 9536098.